The following is an entry in ClinVar:

NM_013275.6(ANKRD11):c.4964_4965del (p.Lys1655fs)

Gene: ANKRD11 (ankyrin repeat domain 11; minus strand). Cytogenetic location: 16q24.3.
Variant type: Deletion.
Coding change: c.4964_4965del on transcript NM_013275.6 (MANE Select); coding-DNA positions 4964 to 4965, 2 bases deleted (AA; older notation c.4964_4965delAA).
Protein change: p.Lys1655fs; shifts the reading frame from lysine 1655.
Molecular consequence: frameshift variant.
Genome position (GRCh38, 1-based): chr16:89,281,577-89,281,578, TT deleted on the plus strand (AA on the coding strand, the reverse complement: ANKRD11 is on the minus strand); deleting any 2 consecutive bases within chr16:89,281,577-89,281,579 gives the same sequence; the c. name uses the placement nearest the transcript's 3' end. VCF-style (leftmost placement, unchanged base first): chr16-89281576-CTT-C. GRCh37 (hg19) VCF-style: chr16-89347984-CTT-C.
Other names: c.4964_4965delAA (NM_013275.5); c.4964_4965del (NM_013275.5); c.4964_4965del, p.Lys1655fs (NM_001256182.2, NM_001256183.2); short protein forms K1655fs.
Identifiers: ClinVar variation 2503457 (VCV002503457.8), dbSNP rs2544230218, ClinGen allele CA658790750.

ClinVar aggregate classification (germline): Pathogenic/Likely pathogenic. Review status: criteria provided, multiple submitters, no conflicts (2 of 4 stars). 7 submissions from 7 submitters: Pathogenic (5); Likely pathogenic (1). 1 of the submissions does not count toward it. Last evaluated 2025-09-29.

Conditions:
KBG syndrome (KBGS). Also called: ANKRD11-Related KBG Syndrome. Identifiers: Orphanet 2332, MedGen C0220687, MONDO:0007846, OMIM 148050.
ANKRD11-related disorder. Also called: ANKRD11-related condition.

Submissions (7):

Labcorp Genetics (formerly Invitae), Labcorp
Classification: Pathogenic for KBG syndrome. Last evaluated: 2025-09-29. Review status: criteria provided, single submitter. Criteria: Invitae Variant Classification Sherloc (09022015). Collection method: clinical testing. Allele origin: germline.
Comment: This sequence change creates a premature translational stop signal (p.Lys1655Argfs*12) in the ANKRD11 gene. It is expected to result in an absent or disrupted protein product. Loss-of-function variants in ANKRD11 are known to be pathogenic (PMID: 21782149, 25125236, 25413698, 25652421). This variant is not present in population databases (gnomAD no frequency). This premature translational stop signal has been observed in individual(s) with ANKRD11-related conditions (PMID: 28333917, 37586838). ClinVar contains an entry for this variant (Variation ID: 2503457). For these reasons, this variant has been classified as Pathogenic.

GeneDx
Classification: Pathogenic. Last evaluated: 2025-04-03. Review status: criteria provided, single submitter. Criteria: GeneDx Variant Classification Process June 2021. Collection method: clinical testing. Allele origin: germline. Affected: yes.
Comment: Frameshift variant predicted to result in protein truncation or nonsense mediated decay in a gene for which loss of function is a known mechanism of disease; Not observed at significant frequency in large population cohorts (gnomAD); This variant is associated with the following publications: (PMID: 35833929, 29258554, 37586838, 30786142, 33057194, 38170291, 28333917, 35982159)

Victorian Clinical Genetics Services, Murdoch Childrens Research Institute
Classification: Pathogenic for KBG syndrome. Last evaluated: 2024-10-09. Review status: criteria provided, single submitter. Criteria: ACMG Guidelines, 2015. Collection method: clinical testing. Allele origin: germline. Inheritance: Autosomal dominant inheritance. Affected: yes.
Comment: Based on the classification scheme VCGS_Germline_v1.3.4, this variant is classified as Pathogenic. Following criteria are met: 0102 - Loss of function is a known mechanism of disease in this gene and is associated with KBG syndrome (MIM#148050). (I) 0107 - This gene is associated with autosomal dominant disease. (I) 0115 - Variants in this gene are known to have variable expressivity. Intrafamilial variability is commonly reported (PMID: 29258554). (I) 0201 - Variant is predicted to cause nonsense-mediated decay (NMD) and loss of protein (premature termination codon is located at least 54 nucleotides upstream of the final exon-exon junction). (SP) 0251 - This variant is heterozygous. (I) 0301 - Variant is absent from gnomAD (both v2 and v3). (SP) 0701 - Other NMD-predicted variants comparable to the one identified in this case have very strong previous evidence for pathogenicity (DECIPHER). (SP) 0801 - This variant has strong previous evidence of pathogenicity in unrelated individuals. It has been seen as de novo in one individual with neurological symptoms (PMID: 28333917) and has been reported as pathogenic by two clinical laboratories (ClinVar). (SP) Legend: (SP) - Supporting pathogenic, (I) - Information, (SB) - Supporting benign

Medical Genetics Unit, Azienda USL-IRCCS di Reggio Emilia
Classification: Pathogenic for KBG syndrome. Last evaluated: 2022-07-27. Review status: criteria provided, single submitter. Criteria: ACMG Guidelines, 2015. Collection method: clinical testing. Allele origin: maternal, de novo. Affected: yes. Observed: 2 variant alleles, 2 heterozygotes.
Comment: ACMG/AMP: PVS1,PM2,PP4

Blueprint Genetics
Classification: Likely pathogenic for ANKRD11-related disorders. Last evaluated: 2022-06-03. Review status: criteria provided, single submitter. Criteria: ACMG Guidelines, 2015. Collection method: clinical testing. Allele origin: germline. Affected: yes. Observed: 1 variant allele.

Juno Genomics, Hangzhou Juno Genomics, Inc
Classification: Pathogenic for KBG syndrome. Review status: criteria provided, single submitter. Criteria: ACMG Guidelines, 2015. Collection method: clinical testing. Allele origin: germline. Affected: yes.
Comment: Absent from controls (or at extremely low frequency if recessive) in Genome Aggregation Database.;Null variant in a gene where loss of function (LOF) is a known mechanism of disease.;The prevalence of the variant in affected individuals is significantly increased compared to the prevalence in controls.;De novo (both maternity and paternity confirmed) in a patient with the disease and no family history.

PreventionGenetics, part of Exact Sciences
Classification: Pathogenic for ANKRD11-related condition. Last evaluated: 2023-12-21. Review status: no assertion criteria provided. Collection method: clinical testing. Allele origin: germline. Not counted in ClinVar's aggregate classification.
Comment: The ANKRD11 c.4964_4965delAA variant is predicted to result in a frameshift and premature protein termination (p.Lys1655Argfs*12). This variant has been reported to have arisen de novo in an individual with psychomotor retardation and syndromic gestalt (Patient 70, Vissers et al. 2017. PubMed ID: 28333917). This variant has not been reported in a large population database, indicating this variant is rare. Frameshift variants in ANKRD11 are expected to be pathogenic. This variant is interpreted as pathogenic.

Literature cited by the submitters: PubMed 21782149 (cited by Labcorp Genetics (formerly Invitae), Labcorp); PubMed 25125236 (cited by Labcorp Genetics (formerly Invitae), Labcorp); PubMed 25413698 (cited by Labcorp Genetics (formerly Invitae), Labcorp); PubMed 25652421 (cited by Labcorp Genetics (formerly Invitae), Labcorp); PubMed 28333917 (cited by Labcorp Genetics (formerly Invitae), Labcorp and Victorian Clinical Genetics Services, Murdoch Childrens Research Institute); PubMed 37586838 (cited by Labcorp Genetics (formerly Invitae), Labcorp); PubMed 29258554 (cited by Victorian Clinical Genetics Services, Murdoch Childrens Research Institute).